The following is an entry in ClinVar:

NM_000216.4(ANOS1):c.640C>G (p.Pro214Ala)

Gene: ANOS1 (anosmin 1; minus strand). Cytogenetic location: Xp22.31.
Variant type: single nucleotide variant.
Coding change: c.640C>G on transcript NM_000216.4 (MANE Select); coding-DNA position 640, C replaced by G.
Protein change: p.Pro214Ala; replaces proline 214 with alanine.
Molecular consequence: missense variant.
Genome position (GRCh38, 1-based): chrX:8,587,880, G>C on the plus strand (C>G on the coding strand, the complement: ANOS1 is on the minus strand). VCF-style: chrX-8587880-G-C. GRCh37 (hg19) VCF-style: chrX-8555921-G-C.
Other names: short protein forms P214A.
Identifiers: ClinVar variation 546245 (VCV000546245.6), dbSNP rs138050192, ClinGen allele CA10343772.
Genomic context (GRCh38, chrX:8,587,880, plus strand): 5'-CGTCATCTTCGCTAGGATGGATTCCATAATTCCATCTTCTTTGTACCACATAGATCACAG[G>C]CTCAATAGAAATATTGAATTTCGAGGACCACTTAACCTCCAGCTGTCCAGACTGCAGTTC-3'
Protein context (NP_000207.2, residues 204-224): WSSKFNISIE[Pro214Ala]VIYVVQRRWN

ClinVar aggregate classification (germline): Uncertain significance. Review status: criteria provided, multiple submitters, no conflicts (2 of 4 stars). 4 submissions from 4 submitters: Uncertain significance (4). Last evaluated 2025-07-12.

Conditions:
Inborn genetic diseases. Identifiers: MedGen C0950123, MeSH D030342.
Hypogonadotropic hypogonadism 1 with or without anosmia (HH1). Also called: KAL1-Related GnRH Deficiency (Kallmann Syndrome 1; Kallmann Syndrome, X-Linked); Hypogonadotropic hypogonadism 1 with or without anosmia (Kallmann syndrome 1); Kallmann syndrome, type 1, X-linked; HYPOGONADOTROPIC HYPOGONADISM 1 WITH ANOSMIA; DYSPLASIA OLFACTOGENITALIS OF DE MORSIER; HYPOGONADOTROPIC HYPOGONADISM AND ANOSMIA. Identifiers: Orphanet 478, MedGen C1563719, MONDO:0010635, OMIM 308700. Disease mechanism: loss of function.

Allele frequency attached by ClinVar (database versions not stated): TOPMed 0.00002; ESP Exome Variant Server 0.00009; ExAC 0.00002; gnomAD exomes 0.00002 and 0.00001; gnomAD 0.00002.
gnomAD v4.1: 27 of 1,203,694 alleles (0.0022%); highest among the groups gnomAD compares: African/African-American, 0.0035%; no homozygotes.

Submissions (4):

Ambry Genetics
Classification: Uncertain significance for Inborn genetic diseases. Last evaluated: 2025-07-12. Review status: criteria provided, single submitter. Criteria: Ambry Variant Classification Scheme 2023. Collection method: clinical testing. Allele origin: germline.

Labcorp Genetics (formerly Invitae), Labcorp
Classification: Uncertain significance for Hypogonadotropic hypogonadism 1 with or without anosmia. Last evaluated: 2025-03-31. Review status: criteria provided, single submitter. Criteria: Invitae Variant Classification Sherloc (09022015). Collection method: clinical testing. Allele origin: germline.
Comment: This sequence change replaces proline, which is neutral and non-polar, with alanine, which is neutral and non-polar, at codon 214 of the ANOS1 protein (p.Pro214Ala). This variant is present in population databases (rs138050192, gnomAD 0.003%). This variant has not been reported in the literature in individuals affected with ANOS1-related conditions. ClinVar contains an entry for this variant (Variation ID: 546245). Invitae Evidence Modeling of protein sequence and biophysical properties (such as structural, functional, and spatial information, amino acid conservation, physicochemical variation, residue mobility, and thermodynamic stability) indicates that this missense variant is expected to disrupt ANOS1 protein function with a positive predictive value of 80%. In summary, the available evidence is currently insufficient to determine the role of this variant in disease. Therefore, it has been classified as a Variant of Uncertain Significance.

Fulgent Genetics
Classification: Uncertain significance for Hypogonadotropic hypogonadism 1 with or without anosmia. Last evaluated: 2024-02-21. Review status: criteria provided, single submitter. Criteria: ACMG Guidelines, 2015. Collection method: clinical testing. Allele origin: germline.

GeneDx
Classification: Uncertain significance. Last evaluated: 2018-05-10. Review status: criteria provided, single submitter. Criteria: GeneDx Variant Classification (06012015). Collection method: clinical testing. Allele origin: germline. Affected: yes.
Comment: The P214A variant has not been published as a pathogenic variant, nor has it been reported as a benign variant to our knowledge. The variant is not observed at a significant frequency in large population cohorts (Lek et al., 2016). P214A is a semi-conservative amino acid substitution, which may impact secondary protein structure as these residues differ in some properties. In-silico analyses, including protein predictors and evolutionary conservation, support a deleterious effect. In summary, based on the currently available information, it is unclear whether this variant is a pathogenic variant or a rare benign variant.